The following is an entry in ClinVar:

ClinVar aggregate classification (germline): Conflicting classifications of pathogenicity. Review status: criteria provided, conflicting classifications (1 of 4 stars). 4 submissions from 4 submitters: Likely pathogenic (3); Uncertain significance (1). Last evaluated 2025-09-18.

Conditions:
Alport syndrome. Also called: Hemorrhagic familial nephritis; Hemorrhagic hereditary nephritis; Congenital hereditary hematuria. Identifiers: Orphanet 63, MedGen C1567741, MONDO:0018965.
Autosomal recessive Alport syndrome (ATS2). Also called: ALPORT SYNDROME 2, AUTOSOMAL RECESSIVE; COL4A3-Related Nephropathy; Alport syndrome type 2; COL4A4 Alport Syndrome and Thin Basement Membrane Nephropathy. Identifiers: Orphanet 63, Orphanet 88919, MedGen C4746745, MONDO:0008762, OMIM 203780.
Hematuria, benign familial, 1 (BFH1). Also called: THIN MEMBRANE NEPHROPATHY. Identifiers: MedGen CN376803, MONDO:0007709, OMIM 141200.

gnomAD v4.1: 10 of 1,614,046 alleles (0.00062%); highest among the groups gnomAD compares: Non-Finnish European, 0.00085%; no homozygotes.

Submissions (4):

Variantyx, Inc.
Classification: Likely pathogenic for Autosomal recessive Alport syndrome. Last evaluated: 2025-09-18. Review status: criteria provided, single submitter. Criteria: Variantyx Assertion Criteria 2022. Collection method: clinical testing. Allele origin: germline. Inheritance: Autosomal recessive inheritance. Affected: yes.
Comment: This is a nonsynonymous variant in the COL4A4 gene (OMIM: 120131). Pathogenic variants in this gene have been associated with autosomal recessive COL4A4-related Alport spectrum. This variant replaces a glycine residue in the repetitive Gly-X-Y sequence of the triple helical domain, which is a common disease mechanism in collagenopathies (PMID: 28098982, 15365990, 33854215) (PM1_Strong). Multiple computational algorithms predict a deleterious effect for this variant (REVEL score: 0.99) (PP3). This variant has a 0.0008% maximum allele frequency in non-founder control populations (PM2). Based on the current evidence, this variant is classified as likely pathogenic for autosomal recessive COL4A4-related Alport spectrum.

Natera, Inc.
Classification: Likely pathogenic for Alport syndrome. Last evaluated: 2025-09-03. Review status: criteria provided, single submitter. Criteria: Natera Variant Classification Schema (03/2026). Collection method: clinical testing. Allele origin: germline.
Comment: The c.3196G>C variant in COL4A4 is a missense variant predicted to cause substitution of glycine to arginine at amino acid 1066. This variant is rare in the general population with a frequency below the threshold expected for the associated phenotype(s). This variant is located in a functionally critical region of the protein. Computational prediction algorithms indicate this variant is likely to affect gene or protein function. Given the available evidence, this variant is classified as Likely Pathogenic.

Fulgent Genetics
Classification: Likely pathogenic for Hematuria, benign familial, 1; Autosomal recessive Alport syndrome. Last evaluated: 2024-04-04. Review status: criteria provided, single submitter. Criteria: ACMG Guidelines, 2015. Collection method: clinical testing. Allele origin: germline.

Labcorp Genetics (formerly Invitae), Labcorp
Classification: Uncertain significance. Last evaluated: 2021-08-27. Review status: criteria provided, single submitter. Criteria: Invitae Variant Classification Sherloc (09022015). Collection method: clinical testing. Allele origin: germline.
Comment: This sequence change replaces glycine with arginine at codon 1066 of the COL4A4 protein (p.Gly1066Arg). The glycine residue is highly conserved and there is a moderate physicochemical difference between glycine and arginine. This variant is not present in population databases (ExAC no frequency). This variant has not been reported in the literature in individuals affected with COL4A4-related conditions. Algorithms developed to predict the effect of missense changes on protein structure and function (SIFT, PolyPhen-2, Align-GVGD) all suggest that this variant is likely to be disruptive. In summary, the available evidence is currently insufficient to determine the role of this variant in disease. Therefore, it has been classified as a Variant of Uncertain Significance.

Literature cited by the submitters: PubMed 28098982 (cited by Variantyx, Inc.); PubMed 15365990 (cited by Variantyx, Inc.); PubMed 33854215 (cited by Variantyx, Inc.).

NM_000092.5(COL4A4):c.3196G>C (p.Gly1066Arg)

Gene: COL4A4 (collagen type IV alpha 4 chain; minus strand). Cytogenetic location: 2q36.3.
Variant type: single nucleotide variant.
Coding change: c.3196G>C on transcript NM_000092.5 (MANE Select); coding-DNA position 3196, G replaced by C.
Protein change: p.Gly1066Arg; replaces glycine 1066 with arginine.
Molecular consequence: missense variant.
Genome position (GRCh38, 1-based): chr2:227,050,086, C>G on the plus strand (G>C on the coding strand, the complement: COL4A4 is on the minus strand). VCF-style: chr2-227050086-C-G. GRCh37 (hg19) VCF-style: chr2-227914802-C-G.
Other names: short protein forms G1066R.
Identifiers: ClinVar variation 965396 (VCV000965396.10), dbSNP rs1333536476, ClinGen allele CA350838825.